The following is an entry in ClinVar:

GRCh38/hg38 13q31.3(chr13:91413406-91615115)x1

Gene: GPC5 (glypican 5; plus strand). Cytogenetic location: 13q31.3.
Variant type: copy number loss.
Change: copy number 1 (one copy instead of two) of chr13:91,413,406-91,615,115 (201.7 kb, GRCh38 coordinates, 1-based), cytogenetic band 13q31.3.
Identifiers: ClinVar variation 154499 (VCV000154499.2).

ClinVar aggregate classification (germline): conflicting data from submitters (0 of 4 stars; one submission).

Submission:

ISCA site 1
Classification: conflicting data from submitters. Last evaluated: 2011-08-05. Review status: no assertion criteria provided. Collection method: clinical testing. Allele origin: paternal, maternal. Affected: yes. Observed: 2 variant alleles.
Comment: Uncertain significance(1), Likely benign (1)

Copy number variation identified through the course of routine clinical cytogenomic testing in postnatal populations, with clinical assertions as classified by the original submitter. For data from the original published study, Kaminsky, et al. 2011 (PubMed 21844811), please see nstd101.